The following is an entry in ClinVar:

NM_001261826.3(AP3D1):c.2637A>G (p.Pro879=)

Gene: AP3D1 (adaptor related protein complex 3 subunit delta 1; minus strand). Cytogenetic location: 19p13.3.
Variant type: single nucleotide variant.
Coding change: c.2637A>G on transcript NM_001261826.3 (MANE Select); coding-DNA position 2637, A replaced by G.
Protein change: p.Pro879=; no amino-acid change (proline 879 retained).
Molecular consequence: synonymous variant. On other transcripts: intron variant (1).
Genome position (GRCh38, 1-based): chr19:2,113,378, T>C on the plus strand (A>G on the coding strand, the complement: AP3D1 is on the minus strand). VCF-style: chr19-2113378-T-C. GRCh37 (hg19) VCF-style: chr19-2113377-T-C.
Other names: c.2637A>G (NM_001261826.1); c.2637A>G, p.Pro879= (NM_001374799.1); c.2601+747A>G (NM_003938.8).
Identifiers: ClinVar variation 2980450 (VCV002980450.6), dbSNP rs1219010925, ClinGen allele CA504773407.

ClinVar aggregate classification (germline): Likely benign. Review status: criteria provided, multiple submitters, no conflicts (2 of 4 stars). 3 submissions from 3 submitters: Likely benign (2). 1 of the submissions does not count toward it. Last evaluated 2023-06-27.

Conditions:
AP3D1-related disorder. Also called: AP3D1-related condition.

Allele frequency attached by ClinVar (database versions not stated): gnomAD 0.00002; gnomAD exomes 0.00003.
gnomAD v4.1: 38 of 1,215,168 alleles (0.0031%); highest among the groups gnomAD compares: Non-Finnish European, 0.0039%; no homozygotes.

Submissions (3):

Labcorp Genetics (formerly Invitae), Labcorp
Classification: Likely benign. Last evaluated: 2023-06-27. Review status: criteria provided, single submitter. Criteria: Invitae Variant Classification Sherloc (09022015). Collection method: clinical testing. Allele origin: germline.

Blueprint Genetics
Classification: Likely benign. Last evaluated: 2023-04-18. Review status: criteria provided, single submitter. Criteria: ACMG Guidelines, 2015. Collection method: clinical testing. Allele origin: germline.

PreventionGenetics, part of Exact Sciences
Classification: Likely benign for AP3D1-related condition. Last evaluated: 2020-04-14. Review status: no assertion criteria provided. Collection method: clinical testing. Allele origin: germline. Not counted in ClinVar's aggregate classification.
Comment: This variant is classified as likely benign based on ACMG/AMP sequence variant interpretation guidelines (Richards et al. 2015 PMID: 25741868, with internal and published modifications).